The following is an entry in ClinVar:

NM_032444.4(SLX4):c.244A>G (p.Asn82Asp)

Gene: SLX4 (SLX4 structure-specific endonuclease subunit; minus strand). Cytogenetic location: 16p13.3.
Variant type: single nucleotide variant.
Coding change: c.244A>G on transcript NM_032444.4 (MANE Select); coding-DNA position 244, A replaced by G.
Protein change: p.Asn82Asp; replaces asparagine 82 with aspartic acid.
Molecular consequence: missense variant.
Genome position (GRCh38, 1-based): chr16:3,608,721, T>C on the plus strand (A>G on the coding strand, the complement: SLX4 is on the minus strand). VCF-style: chr16-3608721-T-C. GRCh37 (hg19) VCF-style: chr16-3658722-T-C.
Other names: short protein forms N82D.
Identifiers: ClinVar variation 884390 (VCV000884390.12), dbSNP rs202237877, ClinGen allele CA7866919.

ClinVar aggregate classification (germline): Conflicting classifications of pathogenicity. Review status: criteria provided, conflicting classifications (1 of 4 stars). 4 submissions from 4 submitters: Uncertain significance (3); Likely benign (1). Last evaluated 2025-07-14.

Conditions:
Fanconi anemia (FA). Also called: Fanconi's anemia. Identifiers: Orphanet 84, MedGen C0015625, MeSH D005199, MONDO:0019391.
Fanconi anemia complementation group P. Also called: SLX4-Related Fanconi Anemia. Identifiers: Orphanet 84, MedGen C3469542, MONDO:0013499, OMIM 613951.

Allele frequency attached by ClinVar (database versions not stated): ExAC 0.00003; gnomAD 0.00003 and 0.00004; gnomAD exomes 0.00003 and 0.00005; TOPMed 0.00003.
gnomAD v4.1: 44 of 1,614,114 alleles (0.0027%); highest among the groups gnomAD compares: South Asian, 0.0033%; no homozygotes.

Submissions (4):

Labcorp Genetics (formerly Invitae), Labcorp
Classification: Uncertain significance for Fanconi anemia. Last evaluated: 2025-07-14. Review status: criteria provided, single submitter. Criteria: Invitae Variant Classification Sherloc (09022015). Collection method: clinical testing. Allele origin: germline.
Comment: This sequence change replaces asparagine, which is neutral and polar, with aspartic acid, which is acidic and polar, at codon 82 of the SLX4 protein (p.Asn82Asp). This variant is present in population databases (rs202237877, gnomAD 0.01%). This variant has not been reported in the literature in individuals affected with SLX4-related conditions. ClinVar contains an entry for this variant (Variation ID: 884390). An algorithm developed to predict the effect of missense changes on protein structure and function outputs the following: PolyPhen-2: "Benign". The aspartic acid amino acid residue is found in multiple mammalian species, which suggests that this missense change does not adversely affect protein function. In summary, the available evidence is currently insufficient to determine the role of this variant in disease. Therefore, it has been classified as a Variant of Uncertain Significance.

Fulgent Genetics
Classification: Uncertain significance for Fanconi anemia complementation group P. Last evaluated: 2024-04-23. Review status: criteria provided, single submitter. Criteria: ACMG Guidelines, 2015. Collection method: clinical testing. Allele origin: germline.

Blueprint Genetics
Classification: Likely benign. Last evaluated: 2023-04-28. Review status: criteria provided, single submitter. Criteria: ACMG Guidelines, 2015. Collection method: clinical testing. Allele origin: germline.

Illumina Laboratory Services, Illumina
Classification: Uncertain significance for Fanconi anemia complementation group P. Last evaluated: 2018-01-13. Review status: criteria provided, single submitter. Criteria: ICSL Variant Classification Criteria 13 December 2019. Collection method: clinical testing. Allele origin: germline.